The following is an entry in ClinVar:

ClinVar aggregate classification (germline): Uncertain significance. Review status: criteria provided, multiple submitters, no conflicts (2 of 4 stars). 2 submissions from 2 submitters: Uncertain significance (2). Last evaluated 2025-11-08.

Conditions:
Immunodeficiency 35 (IMD35). Also called: TYK2 DEFICIENCY; Susceptibility to infection due to TYK2 deficiency; HIES WITH ATYPICAL MYCOBACTERIOSIS, AUTOSOMAL RECESSIVE; HYPER-IgE SYNDROME WITH ATYPICAL MYCOBACTERIOSIS, AUTOSOMAL RECESSIVE. Identifiers: Orphanet 331226, MedGen C1969086, MONDO:0012682, OMIM 611521.
Inborn genetic diseases. Identifiers: MedGen C0950123, MeSH D030342.

Allele frequency attached by ClinVar (database versions not stated): gnomAD exomes below 0.00001 and 0.00001; ExAC 0.00002.
gnomAD v4.1: 6 of 1,614,028 alleles (0.00037%); highest among the groups gnomAD compares: East Asian, 0.0022%; no homozygotes.

Submissions (2):

Ambry Genetics
Classification: Uncertain significance for Inborn genetic diseases. Last evaluated: 2025-11-08. Review status: criteria provided, single submitter. Criteria: Ambry Variant Classification Scheme 2023. Collection method: clinical testing. Allele origin: germline.

Labcorp Genetics (formerly Invitae), Labcorp
Classification: Uncertain significance for Immunodeficiency 35. Last evaluated: 2021-07-17. Review status: criteria provided, single submitter. Criteria: Invitae Variant Classification Sherloc (09022015). Collection method: clinical testing. Allele origin: germline.
Comment: In summary, the available evidence is currently insufficient to determine the role of this variant in disease. Therefore, it has been classified as a Variant of Uncertain Significance. Algorithms developed to predict the effect of missense changes on protein structure and function are either unavailable or do not agree on the potential impact of this missense change (SIFT: "Not Available"; PolyPhen-2: "Possibly Damaging"; Align-GVGD: "Not Available"). This variant has not been reported in the literature in individuals affected with TYK2-related conditions. This variant is present in population databases (rs764378445, ExAC 0.003%). This sequence change replaces proline with histidine at codon 626 of the TYK2 protein (p.Pro626His). The proline residue is highly conserved and there is a moderate physicochemical difference between proline and histidine.

NM_003331.5(TYK2):c.1877C>A (p.Pro626His)

Gene: TYK2 (tyrosine kinase 2; minus strand). Cytogenetic location: 19p13.2.
Variant type: single nucleotide variant.
Coding change: c.1877C>A on transcript NM_003331.5 (MANE Select); coding-DNA position 1877, C replaced by A.
Protein change: p.Pro626His; replaces proline 626 with histidine.
Molecular consequence: missense variant. On other transcripts: intron variant (2).
Genome position (GRCh38, 1-based): chr19:10,361,852, G>T on the plus strand (C>A on the coding strand, the complement: TYK2 is on the minus strand). VCF-style: chr19-10361852-G-T. GRCh37 (hg19) VCF-style: chr19-10472528-G-T.
Other names: c.1877C>A, p.Pro626His (NM_001385198.1, NM_001385200.1, NM_001385203.1 and 2 more transcripts); c.1679C>A, p.Pro560His (NM_001385201.1); c.1787C>A, p.Pro596His (NM_001385205.1); c.1751C>A, p.Pro584His (NM_001385206.1); c.1859C>A, p.Pro620His (NM_001385207.1); c.1773+226C>A (NM_001385199.1); c.1809-16C>A (NM_001385202.1); c.1877C>A (NM_003331.4); short protein forms P596H, P584H, P560H, P620H, P626H.
Identifiers: ClinVar variation 1407715 (VCV001407715.8), dbSNP rs764378445, ClinGen allele CA9193265.